The following is an entry in ClinVar:

NM_018051.5(DYNC2I1):c.2257+10A>G

Gene: DYNC2I1 (dynein 2 intermediate chain 1; plus strand). Cytogenetic location: 7q36.3.
Variant type: single nucleotide variant.
Coding change: c.2257+10A>G on transcript NM_018051.5 (MANE Select); 10 bases into the intron after coding-DNA position 2257, A replaced by G.
Molecular consequence: intron variant.
Genome position (GRCh38, 1-based): chr7:158,923,743, A>G. VCF-style: chr7-158923743-A-G. GRCh37 (hg19) VCF-style: chr7-158716434-A-G.
Other names: c.2119+10A>G (NM_001350914.2); c.1009+10A>G (NM_001350918.2, NM_001350917.2); c.796+10A>G (NM_001350916.2); c.1684+10A>G (NM_001350915.2).
Identifiers: ClinVar variation 748579 (VCV000748579.11), dbSNP rs747339634, ClinGen allele CA4594917.

ClinVar aggregate classification (germline): Benign. Review status: criteria provided, single submitter (1 of 4 stars). 2 submissions from 2 submitters: Benign (1). 1 of the submissions does not count toward it. Last evaluated 2025-10-28.

Conditions:
Short-rib thoracic dysplasia 8 with or without polydactyly (SRTD8). Also called: SHORT-RIB THORACIC DYSPLASIA 8 WITH POLYDACTYLY. Identifiers: Orphanet 93271, MedGen C3809691, MONDO:0014214, OMIM 615503.
DYNC2I1-related disorder. Also called: DYNC2I1-related condition.

Allele frequency attached by ClinVar (database versions not stated): gnomAD 0.00006; gnomAD exomes 0.00006 and 0.00030; TOPMed 0.00014; ExAC 0.00029.
gnomAD v4.1: 97 of 1,596,710 alleles (0.0061%); highest among the groups gnomAD compares: Admixed American, 0.17%; no homozygotes.

Submissions (2):

Labcorp Genetics (formerly Invitae), Labcorp
Classification: Benign for Short-rib thoracic dysplasia 8 with or without polydactyly. Last evaluated: 2025-10-28. Review status: criteria provided, single submitter. Criteria: Invitae Variant Classification Sherloc (09022015). Collection method: clinical testing. Allele origin: germline.

PreventionGenetics, part of Exact Sciences
Classification: Likely benign for DYNC2I1-related condition. Last evaluated: 2019-11-12. Review status: no assertion criteria provided. Collection method: clinical testing. Allele origin: germline. Not counted in ClinVar's aggregate classification.
Comment: This variant is classified as likely benign based on ACMG/AMP sequence variant interpretation guidelines (Richards et al. 2015 PMID: 25741868, with internal and published modifications).